The following is an entry in ClinVar:

NM_001384598.1(PLEKHG6):c.756+2T>C

Gene: PLEKHG6 (pleckstrin homology and RhoGEF domain containing G6; plus strand). Cytogenetic location: 12p13.31.
Variant type: single nucleotide variant.
Coding change: c.756+2T>C on transcript NM_001384598.1 (MANE Select); the canonical splice donor site of the intron after coding-DNA position 756, T replaced by C.
Molecular consequence: splice donor variant.
Genome position (GRCh38, 1-based): chr12:6,316,406, T>C. VCF-style: chr12-6316406-T-C. GRCh37 (hg19) VCF-style: chr12-6425572-T-C.
Other names: c.756+2T>C (NM_018173.4, NM_001384604.1, NM_001384601.1 and 2 more transcripts); c.753+2T>C (NM_001384599.1); c.690+2T>C (NM_001384600.1, NM_001384603.1); c.414+2T>C (NM_001144857.2).
Identifiers: ClinVar variation 3061591 (VCV003061591.2), dbSNP rs1592024942, ClinGen allele CA383539220.

ClinVar aggregate classification (germline): Uncertain significance (0 of 4 stars; one submission).

Conditions:
PLEKHG6-related disorder. Also called: PLEKHG6-related condition.

Submission:

PreventionGenetics, part of Exact Sciences
Classification: Uncertain significance for PLEKHG6-related condition. Last evaluated: 2024-02-07. Review status: no assertion criteria provided. Collection method: clinical testing. Allele origin: germline.
Comment: The PLEKHG6 c.756+2T>C variant is predicted to disrupt the GT donor site and interfere with normal splicing. To our knowledge, this variant has not been reported in the literature or in a large population database, indicating this variant is rare. At this time, the clinical significance of this variant is uncertain due to the absence of conclusive functional and genetic evidence.